The following is an entry in ClinVar:

NM_000256.3(MYBPC3):c.3683G>A (p.Arg1228His)

Gene: MYBPC3 (myosin binding protein C3; minus strand). Cytogenetic location: 11p11.2.
Variant type: single nucleotide variant.
Coding change: c.3683G>A on transcript NM_000256.3 (MANE Select); coding-DNA position 3683, G replaced by A.
Protein change: p.Arg1228His; replaces arginine 1228 with histidine.
Molecular consequence: missense variant.
Genome position (GRCh38, 1-based): chr11:47,332,203, C>T on the plus strand (G>A on the coding strand, the complement: MYBPC3 is on the minus strand). VCF-style: chr11-47332203-C-T. GRCh37 (hg19) VCF-style: chr11-47353754-C-T.
Other names: c.3683G>A, p.Arg1228His (LRG_386t1); short protein forms R1228H.
Identifiers: ClinVar variation 649564 (VCV000649564.12), dbSNP rs528940575, ClinGen allele CA079505.

ClinVar aggregate classification (germline): Uncertain significance. Review status: criteria provided, multiple submitters, no conflicts (2 of 4 stars). 3 submissions from 3 submitters: Uncertain significance (3). Last evaluated 2024-08-31.

Conditions:
Cardiomyopathy (CMYO). Also called: Cardiomyopathies. Identifiers: Orphanet 167848, MedGen C0878544, MONDO:0004994, HP:0001638. Inheritance: Various modes of inheritance.
Cardiovascular phenotype. Identifiers: MedGen CN230736.
Hypertrophic cardiomyopathy. Also called: HYPERTROPHIC MYOCARDIOPATHY. Identifiers: Orphanet 217569, MedGen C0007194, MeSH D002312, MONDO:0005045, HP:0001639.

Allele frequency attached by ClinVar (database versions not stated): gnomAD 0.00001; ExAC 0.00002; gnomAD exomes 0.00002; 1000 Genomes Project 30x 0.00016; 1000 Genomes Project 0.00020.
gnomAD v4.1: 18 of 1,613,850 alleles (0.0011%); highest among the groups gnomAD compares: South Asian, 0.012%; no homozygotes.

Submissions (3):

Labcorp Genetics (formerly Invitae), Labcorp
Classification: Uncertain significance for Hypertrophic cardiomyopathy. Last evaluated: 2024-08-31. Review status: criteria provided, single submitter. Criteria: Invitae Variant Classification Sherloc (09022015). Collection method: clinical testing. Allele origin: germline.
Comment: This sequence change replaces arginine, which is basic and polar, with histidine, which is basic and polar, at codon 1228 of the MYBPC3 protein (p.Arg1228His). This variant is present in population databases (rs528940575, gnomAD 0.01%). This variant has not been reported in the literature in individuals affected with MYBPC3-related conditions. ClinVar contains an entry for this variant (Variation ID: 649564). An algorithm developed to predict the effect of missense changes on protein structure and function (PolyPhen-2) suggests that this variant is likely to be disruptive. In summary, the available evidence is currently insufficient to determine the role of this variant in disease. Therefore, it has been classified as a Variant of Uncertain Significance.

Ambry Genetics
Classification: Uncertain significance for Cardiovascular phenotype. Last evaluated: 2021-09-21. Review status: criteria provided, single submitter. Criteria: Ambry Variant Classification Scheme 2023. Collection method: clinical testing. Allele origin: germline.
Comment: The p.R1228H variant (also known as c.3683G>A), located in coding exon 33 of the MYBPC3 gene, results from a G to A substitution at nucleotide position 3683. The arginine at codon 1228 is replaced by histidine, an amino acid with highly similar properties. This amino acid position is conserved. In addition, the in silico prediction for this alteration is inconclusive. Since supporting evidence is limited at this time, the clinical significance of this alteration remains unclear.

Color Diagnostics, LLC DBA Color Health
Classification: Uncertain significance for Cardiomyopathy. Last evaluated: 2020-07-29. Review status: criteria provided, single submitter. Criteria: ACMG Guidelines, 2015. Collection method: clinical testing. Allele origin: germline.
Comment: This missense variant replaces arginine with histidine at codon 1228 of the MYBPC3 protein. Computational prediction suggests that this variant may not impact protein structure and function (internally defined REVEL score threshold <= 0.5, PMID: 27666373). To our knowledge, functional studies have not been reported for this variant. This variant has not been reported in individuals affected with cardiovascular disorders in the literature. This variant has been identified in 5/249226 chromosomes in the general population by the Genome Aggregation Database (gnomAD). The available evidence is insufficient to determine the role of this variant in disease conclusively. Therefore, this variant is classified as a Variant of Uncertain Significance.